The following is an entry in ClinVar:

NM_001365088.1(SLC12A6):c.563dup (p.Met189fs)

Gene: SLC12A6 (solute carrier family 12 member 6; minus strand). Cytogenetic location: 15q14.
Variant type: Duplication.
Coding change: c.563dup on transcript NM_001365088.1 (MANE Select); coding-DNA position 563, one base duplicated (T; older notation c.563dupT).
Protein change: p.Met189fs; shifts the reading frame from methionine 189.
Molecular consequence: frameshift variant.
Genome position (GRCh38, 1-based): chr15:34,257,769, A duplicated on the plus strand (T on the coding strand, the reverse complement: SLC12A6 is on the minus strand); the first of 2 consecutive A bases (chr15:34,257,769-34,257,770); duplicating either gives the same sequence. VCF-style (leftmost placement, unchanged base first): chr15-34257768-G-GA. GRCh37 (hg19) VCF-style: chr15-34549969-G-GA.
Other names: c.386dup, p.Met130fs (NM_001042494.2, NM_001042495.2); c.536dup, p.Met180fs (NM_001042496.2); c.518dup, p.Met174fs (NM_001042497.2); c.410dup, p.Met138fs (NM_005135.2); c.563dup, p.Met189fs (NM_133647.2); short protein forms M138fs, M130fs, M174fs, M180fs, M189fs.
Identifiers: ClinVar variation 2091121 (VCV002091121.4), dbSNP rs2509832921, ClinGen allele CA2580089322.
Genomic context (GRCh38, chr15:34,257,768, plus strand): 5'-AAGGCGTAAAAAAAGGATCACTCCAAAAATATTTTGTAGACATGGGAGGTAGACACCCAT[G>GA]AAGGTACCCATTTGGGGGGTCTAGAAAGAAAGACATTGATAAAAAATCACACAGTTATCC-3'

ClinVar aggregate classification (germline): Pathogenic (1 of 4 stars; one submission).

Submission:

Labcorp Genetics (formerly Invitae), Labcorp
Classification: Pathogenic. Last evaluated: 2022-01-31. Review status: criteria provided, single submitter. Criteria: Invitae Variant Classification Sherloc (09022015). Collection method: clinical testing. Allele origin: germline.
Comment: This sequence change creates a premature translational stop signal (p.Met189Hisfs*56) in the SLC12A6 gene. It is expected to result in an absent or disrupted protein product. Loss-of-function variants in SLC12A6 are known to be pathogenic (PMID: 12368912, 16606917). For these reasons, this variant has been classified as Pathogenic. This variant has not been reported in the literature in individuals affected with SLC12A6-related conditions. This variant is not present in population databases (gnomAD no frequency).

Literature cited by the submitters: PubMed 12368912; PubMed 16606917.